The following is an entry in ClinVar:

ClinVar aggregate classification (germline): Conflicting classifications of pathogenicity. Review status: criteria provided, conflicting classifications (1 of 4 stars). 2 submissions from 2 submitters: Uncertain significance (1); Likely benign (1). Last evaluated 2026-02-12.

Conditions:
TTN-related disorder. Also called: TTN-related disorders; TTN-related condition; TTN-related disease.
Cardiovascular phenotype. Identifiers: MedGen CN230736.

gnomAD v4.1: 8 of 1,613,680 alleles (0.0005%); highest among the groups gnomAD compares: Admixed American, 0.0067%; no homozygotes.

Submissions (2):

PreventionGenetics, part of Exact Sciences
Classification: Uncertain significance for TTN-related condition. Last evaluated: 2026-02-12. Review status: criteria provided, single submitter. Criteria: ACMG Guidelines, 2015. Collection method: clinical testing. Allele origin: germline.
Comment: The TTN c.104425G>A variant is predicted to result in the amino acid substitution p.Val34809Met. This variant has been reported in an individual with left ventricular noncompaction (Table S2, Mazzarotto et al. 2021. PubMed ID: 33500567). This variant is reported in 0.012% of alleles in individuals of Latino descent in gnomAD. At this time, the clinical significance of this variant is uncertain due to the absence of conclusive functional and genetic evidence.

Ambry Genetics
Classification: Likely benign for Cardiovascular phenotype. Last evaluated: 2020-06-23. Review status: criteria provided, single submitter. Criteria: Ambry Variant Classification Scheme 2023. Collection method: clinical testing. Allele origin: germline.

NM_001267550.2(TTN):c.104425G>A (p.Val34809Met)

Genes: TTN (titin; minus strand), TTN-AS1 (TTN antisense RNA 1; plus strand). Cytogenetic location: 2q31.2.
Variant type: single nucleotide variant.
Coding change: c.104425G>A on transcript NM_001267550.2 (MANE Select); coding-DNA position 104425, G replaced by A.
Protein change: p.Val34809Met; replaces valine 34809 with methionine.
Molecular consequence: missense variant.
Genome position (GRCh38, 1-based): chr2:178,532,190, C>T on the plus strand (G>A on the coding strand, the complement: TTN is on the minus strand). VCF-style: chr2-178532190-C-T. GRCh37 (hg19) VCF-style: chr2-179396917-C-T.
Other names: c.99502G>A, p.Val33168Met (NM_001256850.1); c.77230G>A, p.Val25744Met (NM_003319.4); c.96721G>A, p.Val32241Met (NM_133378.4); c.77605G>A, p.Val25869Met (NM_133432.3); c.77806G>A, p.Val25936Met (NM_133437.4); short protein forms V25869M, V25744M, V25936M, V32241M, V33168M, V34809M.
Identifiers: ClinVar variation 1760324 (VCV001760324.3), dbSNP rs754384143, ClinGen allele CA1985428.